The following is an entry in ClinVar:

NM_152703.5(SAMD9L):c.854G>A (p.Arg285Gln)

Gene: SAMD9L (sterile alpha motif domain containing 9 like; minus strand). Cytogenetic location: 7q21.2.
Variant type: single nucleotide variant.
Coding change: c.854G>A on transcript NM_152703.5 (MANE Select); coding-DNA position 854, G replaced by A.
Protein change: p.Arg285Gln; replaces arginine 285 with glutamine.
Molecular consequence: missense variant.
Genome position (GRCh38, 1-based): chr7:93,135,118, C>T on the plus strand (G>A on the coding strand, the complement: SAMD9L is on the minus strand). VCF-style: chr7-93135118-C-T. GRCh37 (hg19) VCF-style: chr7-92764431-C-T.
Other names: c.854G>A (NM_152703.2, NM_152703.3); c.854G>A, p.Arg285Gln (NM_001303496.3, NM_001303497.3, NM_001303498.3 and 5 more transcripts); short protein forms R285Q.
Identifiers: ClinVar variation 1063306 (VCV001063306.15), dbSNP rs151204118, ClinGen allele CA4343803.

ClinVar aggregate classification (germline): Conflicting classifications of pathogenicity. Review status: criteria provided, conflicting classifications (1 of 4 stars). 7 submissions from 7 submitters: Uncertain significance (5); Likely benign (2). Last evaluated 2026-02-04.

Conditions:
Monosomy 7 myelodysplasia and leukemia syndrome 1. Also called: CHROMOSOME 7q DELETION; Familial Mosaic Monosomy 7 Syndrome; Monosomy 7 of bone marrow. Identifiers: MedGen C1854978, MONDO:0009646, OMIM 252270.
Spinocerebellar ataxia 49 (SCA49). Identifiers: Orphanet 631106, MedGen C5676950, MONDO:0030805, OMIM 619806.
Ataxia-pancytopenia syndrome (ATXPC). Also called: SAMD9L-Related Syndrome; SAMD9L Ataxia-Pancytopenia Syndrome. Identifiers: Orphanet 2585, MedGen C1327919, MONDO:0008038, OMIM 159550.
SAMD9L-related disorder. Also called: SAMD9L-related disorders; SAMD9L-related condition.
Inborn genetic diseases. Identifiers: MedGen C0950123, MeSH D030342.

Allele frequency attached by ClinVar (database versions not stated): ESP Exome Variant Server 0.00008; gnomAD 0.00011 and 0.00012; ExAC 0.00012; TOPMed 0.00012; gnomAD exomes 0.00014 and 0.00018; 1000 Genomes Project 0.00020; 1000 Genomes Project 30x 0.00031.

Submissions (7):

Labcorp Genetics (formerly Invitae), Labcorp
Classification: Uncertain significance. Last evaluated: 2026-02-04. Review status: criteria provided, single submitter. Criteria: Invitae Variant Classification Sherloc (09022015). Collection method: clinical testing. Allele origin: germline.
Comment: This sequence change replaces arginine, which is basic and polar, with glutamine, which is neutral and polar, at codon 285 of the SAMD9L protein (p.Arg285Gln). This variant is present in population databases (rs151204118, gnomAD 0.03%). This missense change has been observed in individual(s) with SAMD9L-related conditions (PMID: 32810897). ClinVar contains an entry for this variant (Variation ID: 1063306). Experimental studies and prediction algorithms are not available or were not evaluated, and the functional significance of this variant is currently unknown. In summary, the available evidence is currently insufficient to determine the role of this variant in disease. Therefore, it has been classified as a Variant of Uncertain Significance.

PreventionGenetics, part of Exact Sciences
Classification: Uncertain significance for SAMD9L-related condition. Last evaluated: 2025-05-27. Review status: criteria provided, single submitter. Criteria: ACMG Guidelines, 2015. Collection method: clinical testing. Allele origin: germline.
Comment: The SAMD9L c.854G>A variant is predicted to result in the amino acid substitution p.Arg285Gln. To our knowledge, this variant has not been reported in the literature. This variant is reported in 0.034% of alleles in individuals of Latino descent in gnomAD and is interpreted as a variant of uncertain significance in ClinVar. At this time, the clinical significance of this variant is uncertain due to the absence of conclusive functional and genetic evidence.

GeneDx
Classification: Uncertain significance. Last evaluated: 2025-02-20. Review status: criteria provided, single submitter. Criteria: GeneDx Variant Classification Process June 2021. Collection method: clinical testing. Allele origin: germline.
Comment: In silico analysis indicates that this missense variant does not alter protein structure/function; Observed in an individual with common variable immunodeficiency (PMID: 32810897); This variant is associated with the following publications: (PMID: 28545555, 32810897)

Blueprint Genetics
Classification: Likely benign. Last evaluated: 2024-11-07. Review status: criteria provided, single submitter. Criteria: ACMG Guidelines, 2015. Collection method: clinical testing. Allele origin: germline.

Ambry Genetics
Classification: Likely benign for Inborn genetic diseases. Last evaluated: 2024-10-05. Review status: criteria provided, single submitter. Criteria: Ambry Variant Classification Scheme 2023. Collection method: clinical testing. Allele origin: germline.

Fulgent Genetics
Classification: Uncertain significance for Ataxia-pancytopenia syndrome; Monosomy 7 myelodysplasia and leukemia syndrome 1; Spinocerebellar ataxia 49. Last evaluated: 2024-06-18. Review status: criteria provided, single submitter. Criteria: ACMG Guidelines, 2015. Collection method: clinical testing. Allele origin: germline.

Women's Health and Genetics/Laboratory Corporation of America, LabCorp
Classification: Uncertain significance. Last evaluated: 2024-06-10. Review status: criteria provided, single submitter. Criteria: LabCorp Variant Classification Summary - May 2015. Collection method: clinical testing. Allele origin: germline.
Comment: Variant summary: SAMD9L c.854G>A (p.Arg285Gln) results in a conservative amino acid change in the encoded protein sequence. Four of five in-silico tools predict a benign effect of the variant on protein function. The variant allele was found at a frequency of 0.00014 in 249750 control chromosomes. This frequency is not significantly higher than estimated for a pathogenic variant in SAMD9L causing SAMD9L-Related Disorders, allowing no conclusion about variant significance. c.854G>A has been reported in the literature in the heterozygous state in at least one individual affected common variable immunodeficiency (e.g. Detry_2021). These report(s) do not provide unequivocal conclusions about association of the variant with SAMD9L-Related Disorders. To our knowledge, no experimental evidence demonstrating an impact on protein function has been reported. The following publication have been ascertained in the context of this evaluation (PMID: 32810897). ClinVar contains an entry for this variant (Variation ID: 1063306). Based on the evidence outlined above, the variant was classified as uncertain significance.

Literature cited by the submitters: PubMed 32810897 (cited by Labcorp Genetics (formerly Invitae), Labcorp and Women's Health and Genetics/Laboratory Corporation of America, LabCorp).